The following is an entry in ClinVar:

NC_000009.12:g.35657939C>T

Gene: RMRP (RNA component of mitochondrial RNA processing endoribonuclease; minus strand). Cytogenetic location: 9p13.3.
Variant type: single nucleotide variant.
Genome position: GRCh38 VCF-style: chr9-35657939-C-T. GRCh37 (hg19) VCF-style: chr9-35657936-C-T.
Identifiers: ClinVar variation 1224478 (VCV001224478.5), dbSNP rs756128568, ClinGen allele CA5045854.
Genomic context (GRCh38, chr9:35,657,939, plus strand): 5'-TGGAGTGGGAAGCGGGGAATGTCTACGTGCGTATGCACGTGGCACTCTCTGCCCGAGGTC[C>T]GGGGACTTTCCCCTAGGCGGAAAGGGGAGGAACAGAGTCCTCAGTGTGTAGCCTAGGATA-3'

ClinVar aggregate classification (germline): Conflicting classifications of pathogenicity. Review status: criteria provided, conflicting classifications (1 of 4 stars). 2 submissions from 2 submitters: Likely pathogenic (1); Uncertain significance (1). Last evaluated 2022-03-26.

Conditions:
RMRP-related disorder. Also called: RMRP-related condition.
Anauxetic dysplasia. Identifiers: Orphanet 93347, MedGen C1846796, MONDO:0011773.

Allele frequency attached by ClinVar (database versions not stated): TOPMed 0.00002; gnomAD 0.00003 and 0.00004; ExAC 0.00009.
gnomAD v4.1: 9 of 700,336 alleles (0.0013%); highest among the groups gnomAD compares: African/African-American, 0.0087%; no homozygotes.

Submissions (2):

Labcorp Genetics (formerly Invitae), Labcorp
Classification: Uncertain significance for Anauxetic dysplasia. Last evaluated: 2022-03-26. Review status: criteria provided, single submitter. Criteria: Invitae Variant Classification Sherloc (09022015). Collection method: clinical testing. Allele origin: germline.
Comment: This variant occurs in the RMRP gene, which encodes an RNA molecule that does not result in a protein product. The frequency data for this variant in the population databases is considered unreliable, as metrics indicate poor data quality at this position in the gnomAD database. This variant has been observed in individual(s) with RMRP-related conditions (PMID: 12107819). ClinVar contains an entry for this variant (Variation ID: 1224478). Experimental studies and prediction algorithms are not available or were not evaluated, and the functional significance of this variant is currently unknown. In summary, the available evidence is currently insufficient to determine the role of this variant in disease. Therefore, it has been classified as a Variant of Uncertain Significance.

Blueprint Genetics
Classification: Likely pathogenic for RMRP-related disorders. Last evaluated: 2019-03-13. Review status: criteria provided, single submitter. Criteria: ACMG Guidelines, 2015. Collection method: clinical testing. Allele origin: germline. Affected: yes. Observed: 1 variant allele.

Literature cited by the submitters: PubMed 12107819 (cited by Labcorp Genetics (formerly Invitae), Labcorp).